The following is an entry in ClinVar:

ClinVar aggregate classification (germline): Likely benign (1 of 4 stars; one submission).

Allele frequency attached by ClinVar (database versions not stated): ExAC 0.00005; 1000 Genomes Project 30x 0.00016; 1000 Genomes Project 0.00020.
gnomAD v4.1: 72 of 1,613,830 alleles (0.0045%); highest among the groups gnomAD compares: Admixed American, 0.082%; no homozygotes.

Submission:

CeGaT Center for Human Genetics Tuebingen
Classification: Likely benign. Last evaluated: 2022-04-01. Review status: criteria provided, single submitter. Criteria: CeGaT Center For Human Genetics Tuebingen Variant Classification Criteria Version 2. Collection method: clinical testing. Allele origin: germline. Affected: yes. Observed: 1 variant allele.
Comment: KIF13B: BP4, BP7

NM_015254.4(KIF13B):c.3189G>A (p.Pro1063=)

Gene: KIF13B (kinesin family member 13B; minus strand). Cytogenetic location: 8p12.
Variant type: single nucleotide variant.
Coding change: c.3189G>A on transcript NM_015254.4 (MANE Select); coding-DNA position 3189, G replaced by A.
Protein change: p.Pro1063=; no amino-acid change (proline 1063 retained).
Molecular consequence: synonymous variant.
Genome position (GRCh38, 1-based): chr8:29,127,155, C>T on the plus strand (G>A on the coding strand, the complement: KIF13B is on the minus strand). VCF-style: chr8-29127155-C-T. GRCh37 (hg19) VCF-style: chr8-28984672-C-T.
Identifiers: ClinVar variation 2658509 (VCV002658509.24), dbSNP rs181355662, ClinGen allele CA4698265.